The following is an entry in ClinVar:

NM_025132.4(WDR19):c.3307C>T (p.Arg1103Ter)

Gene: WDR19 (WD repeat domain 19; plus strand). Cytogenetic location: 4p14.
Variant type: single nucleotide variant.
Coding change: c.3307C>T on transcript NM_025132.4 (MANE Select); coding-DNA position 3307, C replaced by T.
Protein change: p.Arg1103Ter; replaces arginine 1103 with a stop codon.
Molecular consequence: nonsense.
Genome position (GRCh38, 1-based): chr4:39,268,040, C>T. VCF-style: chr4-39268040-C-T. GRCh37 (hg19) VCF-style: chr4-39269660-C-T.
Other names: c.2827C>T, p.Arg943Ter (NM_001317924.2); short protein forms R1103*, R943*.
Identifiers: ClinVar variation 30704 (VCV000030704.12), dbSNP rs387906981, ClinGen allele CA342746.

ClinVar aggregate classification (germline): Pathogenic. Review status: criteria provided, multiple submitters, no conflicts (2 of 4 stars). 5 submissions from 5 submitters: Pathogenic (3). 2 of the submissions do not count toward it. Last evaluated 2021-09-17.

Conditions:
Spermatogenic failure 72 (SPGF72). Identifiers: MedGen C5676980, MONDO:0030809, OMIM 619867.
Nephronophthisis 13 (NPHP13). Identifiers: Orphanet 655, MedGen C3280612, MONDO:0013718, OMIM 614377.
Cranioectodermal dysplasia 4 (CED4). Identifiers: Orphanet 1515, MedGen C3280616, MONDO:0013719, OMIM 614378.
Asphyxiating thoracic dystrophy 5 (SRTD5). Also called: SHORT-RIB THORACIC DYSPLASIA 5 WITH OR WITHOUT POLYDACTYLY; SHORT-RIB THORACIC DYSPLASIA 5 WITHOUT POLYDACTYLY. Identifiers: Orphanet 474, MedGen C3280598, MONDO:0013717, OMIM 614376.
Senior-Loken syndrome 8 (SLSN8). Identifiers: Orphanet 3156, MedGen C4225376, MONDO:0014579, OMIM 616307.
WDR19-related disorder. Also called: WDR19-related disorders; WDR19-related condition. Identifiers: MedGen CN380161.

Allele frequency attached by ClinVar (database versions not stated): TOPMed 0.00001; gnomAD exomes below 0.00001.
gnomAD v4.1: 6 of 1,604,938 alleles (0.00037%); highest among the groups gnomAD compares: Non-Finnish European, 0.00034%; no homozygotes.

Submissions (5):

Labcorp Genetics (formerly Invitae), Labcorp
Classification: Pathogenic for Senior-Loken syndrome 8; Asphyxiating thoracic dystrophy 5. Last evaluated: 2021-09-17. Review status: criteria provided, single submitter. Criteria: Invitae Variant Classification Sherloc (09022015). Collection method: clinical testing. Allele origin: germline.
Comment: This variant is present in population databases (rs387906981, ExAC 0.006%). This premature translational stop signal has been observed in individual(s) with Sensenbrenner syndrom (PMID: 22019273). In at least one individual the data is consistent with the variant being in trans (on the opposite chromosome) from a pathogenic variant. It has also been observed to segregate with disease in related individuals. ClinVar contains an entry for this variant (Variation ID: 30704). For these reasons, this variant has been classified as Pathogenic. This sequence change creates a premature translational stop signal (p.Arg1103*) in the WDR19 gene. It is expected to result in an absent or disrupted protein product. Loss-of-function variants in WDR19 are known to be pathogenic (PMID: 22019273, 23559409, 23683095, 26275793, 27241786, 29068549).

Blueprint Genetics
Classification: Pathogenic for WDR19-related disorders. Last evaluated: 2019-02-11. Review status: criteria provided, single submitter. Criteria: ACMG Guidelines, 2015. Collection method: clinical testing. Allele origin: germline. Affected: yes. Observed: 3 variant alleles.

Juno Genomics, Hangzhou Juno Genomics, Inc
Classification: Pathogenic for Senior-Loken syndrome 8; Asphyxiating thoracic dystrophy 5; Spermatogenic failure 72; Cranioectodermal dysplasia 4; Nephronophthisis 13. Review status: criteria provided, single submitter. Criteria: ACMG Guidelines, 2015. Collection method: clinical testing. Allele origin: germline.
Comment: Absent from controls (or at extremely low frequency if recessive) in Genome Aggregation Database.;Null variant in a gene where loss of function (LOF) is a known mechanism of disease.;For recessive disorders, detected in trans with a pathogenic variant.;Co-segregation with disease in multiple affected family members.

OMIM
Classification: Pathogenic for CRANIOECTODERMAL DYSPLASIA 4. Last evaluated: 2011-11-11. Review status: no assertion criteria provided. Collection method: literature only. Allele origin: germline. Not counted in ClinVar's aggregate classification.

GeneReviews
No classification provided. Condition: Cranioectodermal dysplasia 4. Review status: no classification provided. Collection method: literature only. Allele origin: unknown. Not counted in ClinVar's aggregate classification.

Literature cited by the submitters: PubMed 22019273 (cited by 3 submitters); PubMed 23559409 (cited by Labcorp Genetics (formerly Invitae), Labcorp); PubMed 23683095 (cited by Labcorp Genetics (formerly Invitae), Labcorp); PubMed 26275793 (cited by Labcorp Genetics (formerly Invitae), Labcorp); PubMed 27241786 (cited by Labcorp Genetics (formerly Invitae), Labcorp); PubMed 29068549 (cited by Labcorp Genetics (formerly Invitae), Labcorp); PubMed 24027799 (cited by GeneReviews); NCBI Bookshelf NBK154653 (cited by GeneReviews).